The following is an entry in ClinVar:

NM_006939.4(SOS2):c.541A>C (p.Ile181Leu)

Gene: SOS2 (SOS Ras/Rho guanine nucleotide exchange factor 2; minus strand). Cytogenetic location: 14q21.3.
Variant type: single nucleotide variant.
Coding change: c.541A>C on transcript NM_006939.4 (MANE Select); coding-DNA position 541, A replaced by C.
Protein change: p.Ile181Leu; replaces isoleucine 181 with leucine.
Molecular consequence: missense variant.
Genome position (GRCh38, 1-based): chr14:50,188,670, T>G on the plus strand (A>C on the coding strand, the complement: SOS2 is on the minus strand). VCF-style: chr14-50188670-T-G. GRCh37 (hg19) VCF-style: chr14-50655388-T-G.
Other names: c.541A>C, p.Ile181Leu (NM_001411020.1); short protein forms I181L.
Identifiers: ClinVar variation 2194162 (VCV002194162.6), dbSNP rs776470985, ClinGen allele CA7177505.

ClinVar aggregate classification (germline): Uncertain significance. Review status: criteria provided, multiple submitters, no conflicts (2 of 4 stars). 2 submissions from 2 submitters: Uncertain significance (2). Last evaluated 2025-07-04.

Conditions:
Noonan syndrome 9 (NS9). Identifiers: Orphanet 648, MedGen C4225282, MONDO:0014691, OMIM 616559.

Allele frequency attached by ClinVar (database versions not stated): TOPMed below 0.00001; ExAC 0.00001.
gnomAD v4.1: 3 of 1,607,560 alleles (0.00019%); highest among the groups gnomAD compares: Non-Finnish European, 0.00025%; no homozygotes.

Submissions (2):

Dasa
Classification: Uncertain significance. Last evaluated: 2025-07-04. Review status: criteria provided, single submitter. Criteria: DASA Assertion Criteria. Collection method: clinical testing. Allele origin: germline.
Comment: NM_006939.4(SOS2):c.541A>C (p.Ile181Leu) is a missense variant that results in the substitution of isoleucine with leucine. This variant is rare in population databases. Computational prediction algorithms are consistent with a benign effect. The currently available literature and clinical evidence are not sufficient to establish a definitive association between this variant and the reported condition. Therefore, this variant is classified as a variant of uncertain significance.

Labcorp Genetics (formerly Invitae), Labcorp
Classification: Uncertain significance for Noonan syndrome 9. Last evaluated: 2024-01-20. Review status: criteria provided, single submitter. Criteria: Invitae Variant Classification Sherloc (09022015). Collection method: clinical testing. Allele origin: germline.
Comment: This sequence change replaces isoleucine, which is neutral and non-polar, with leucine, which is neutral and non-polar, at codon 181 of the SOS2 protein (p.Ile181Leu). This variant is present in population databases (rs776470985, gnomAD 0.0009%). This variant has not been reported in the literature in individuals affected with SOS2-related conditions. ClinVar contains an entry for this variant (Variation ID: 2194162). Advanced modeling of protein sequence and biophysical properties (such as structural, functional, and spatial information, amino acid conservation, physicochemical variation, residue mobility, and thermodynamic stability) performed at Invitae indicates that this missense variant is not expected to disrupt SOS2 protein function with a negative predictive value of 95%. In summary, the available evidence is currently insufficient to determine the role of this variant in disease. Therefore, it has been classified as a Variant of Uncertain Significance.